The following is an entry in ClinVar:

NM_000082.4(ERCC8):c.1103C>G (p.Pro368Arg)

Gene: ERCC8 (ERCC excision repair 8, CSA ubiquitin ligase complex subunit; minus strand). Cytogenetic location: 5q12.1.
Variant type: single nucleotide variant.
Coding change: c.1103C>G on transcript NM_000082.4 (MANE Select); coding-DNA position 1103, C replaced by G.
Protein change: p.Pro368Arg; replaces proline 368 with arginine.
Molecular consequence: missense variant.
Genome position (GRCh38, 1-based): chr5:60,887,459, G>C on the plus strand (C>G on the coding strand, the complement: ERCC8 is on the minus strand). VCF-style: chr5-60887459-G-C. GRCh37 (hg19) VCF-style: chr5-60183286-G-C.
Other names: c.929C>G, p.Pro310Arg (NM_001007233.3); c.644C>G, p.Pro215Arg (NM_001290285.2); short protein forms P215R, P310R, P368R.
Identifiers: ClinVar variation 1353369 (VCV001353369.7), dbSNP rs546328344, ClinGen allele CA3277627.

ClinVar aggregate classification (germline): Uncertain significance (1 of 4 stars; one submission).

Allele frequency attached by ClinVar (database versions not stated): gnomAD exomes below 0.00001; ExAC 0.00001.
gnomAD v4.1: 1 of 1,613,202 alleles (0.000062%); highest among the groups gnomAD compares: Non-Finnish European, 0.000085%; no homozygotes.

Submission:

Labcorp Genetics (formerly Invitae), Labcorp
Classification: Uncertain significance. Last evaluated: 2024-04-24. Review status: criteria provided, single submitter. Criteria: Invitae Variant Classification Sherloc (09022015). Collection method: clinical testing. Allele origin: germline.
Comment: This sequence change replaces proline, which is neutral and non-polar, with arginine, which is basic and polar, at codon 368 of the ERCC8 protein (p.Pro368Arg). This variant is present in population databases (rs546328344, gnomAD 0.0009%). This variant has not been reported in the literature in individuals affected with ERCC8-related conditions. ClinVar contains an entry for this variant (Variation ID: 1353369). An algorithm developed to predict the effect of missense changes on protein structure and function (PolyPhen-2) suggests that this variant is likely to be tolerated. In summary, the available evidence is currently insufficient to determine the role of this variant in disease. Therefore, it has been classified as a Variant of Uncertain Significance.